The following is an entry in ClinVar:

ClinVar aggregate classification (germline): Uncertain significance. Review status: criteria provided, multiple submitters, no conflicts (2 of 4 stars). 2 submissions from 2 submitters: Uncertain significance (2). Last evaluated 2024-05-21.

Conditions:
Surfactant metabolism dysfunction, pulmonary, 4 (SMDP4). Also called: CSF2RA DEFICIENCY; PAP DUE TO CSF2RA DEFICIENCY; PULMONARY ALVEOLAR PROTEINOSIS, CONGENITAL, 4. Identifiers: Orphanet 264675, MedGen C2677877, MONDO:0010424, OMIM 300770.

Allele frequency attached by ClinVar (database versions not stated): TOPMed below 0.00001; gnomAD 0.00003; gnomAD exomes 0.00004 and 0.00007; ExAC 0.00007.
gnomAD v4.1: 69 of 1,612,860 alleles (0.0043%); highest among the groups gnomAD compares: South Asian, 0.071%; no homozygotes.

Submissions (2):

Labcorp Genetics (formerly Invitae), Labcorp
Classification: Uncertain significance for Surfactant metabolism dysfunction, pulmonary, 4. Last evaluated: 2024-05-21. Review status: criteria provided, single submitter. Criteria: Invitae Variant Classification Sherloc (09022015). Collection method: clinical testing. Allele origin: germline.
Comment: This sequence change replaces glycine, which is neutral and non-polar, with valine, which is neutral and non-polar, at codon 339 of the CSF2RA protein (p.Gly339Val). This variant is present in population databases (no rsID available, gnomAD 0.06%). This variant has not been reported in the literature in individuals affected with CSF2RA-related conditions. ClinVar contains an entry for this variant (Variation ID: 581694). Advanced modeling of protein sequence and biophysical properties (such as structural, functional, and spatial information, amino acid conservation, physicochemical variation, residue mobility, and thermodynamic stability) performed at Invitae indicates that this missense variant is not expected to disrupt CSF2RA protein function with a negative predictive value of 80%. In summary, the available evidence is currently insufficient to determine the role of this variant in disease. Therefore, it has been classified as a Variant of Uncertain Significance.

Blueprint Genetics
Classification: Uncertain significance. Last evaluated: 2018-04-04. Review status: criteria provided, single submitter. Criteria: ACMG Guidelines, 2015. Collection method: clinical testing. Allele origin: germline.

NM_172245.4(CSF2RA):c.1016G>T (p.Gly339Val)

Gene: CSF2RA (colony stimulating factor 2 receptor subunit alpha; plus strand). Cytogenetic location: Xp22.33.
Variant type: single nucleotide variant.
Coding change: c.1016G>T on transcript NM_172245.4 (MANE Select); coding-DNA position 1016, G replaced by T.
Protein change: p.Gly339Val; replaces glycine 339 with valine.
Molecular consequence: missense variant. On other transcripts: non-coding transcript variant (1), intron variant (7).
Genome position (GRCh38, 1-based): chrX:1,303,992, G>T. VCF-style: chrX-1303992-G-T. GRCh37 (hg19) VCF-style: chrX-1422885-G-T.
Other names: c.1016G>T, p.Gly339Val (NM_001161529.2, NM_001161531.2, NM_001379155.1 and 9 more transcripts); c.1118G>T, p.Gly373Val (NM_001161530.2, NM_001379153.1, NM_001379154.1); c.617G>T, p.Gly206Val (NM_001161532.2); c.986G>T, p.Gly329Val (NM_001379160.1); c.947-1454G>T (NM_001379167.1, NM_001379169.1, NM_172247.3 and 1 more transcripts); c.946+3366G>T (NM_172246.4); c.647-1454G>T (NM_172249.4); c.855-1454G>T (NM_001379166.1); short protein forms G373V, G339V, G206V, G329V.
Identifiers: ClinVar variation 581694 (VCV000581694.9), dbSNP rs760207183, ClinGen allele CA10331141.